The following is an entry in ClinVar:

ClinVar aggregate classification (germline): Uncertain significance (1 of 4 stars; one submission).

Allele frequency attached by ClinVar (database versions not stated): gnomAD exomes below 0.00001.
gnomAD v4.1: 2 of 1,612,730 alleles (0.00012%); highest among the groups gnomAD compares: Non-Finnish European, 0.00017%; no homozygotes.

Submission:

CeGaT Center for Human Genetics Tuebingen
Classification: Uncertain significance. Last evaluated: 2022-12-01. Review status: criteria provided, single submitter. Criteria: CeGaT Center For Human Genetics Tuebingen Variant Classification Criteria Version 2. Collection method: clinical testing. Allele origin: germline. Affected: yes. Observed: 1 variant allele.
Comment: TTN: PM2

NM_001267550.2(TTN):c.21479T>C (p.Ile7160Thr)

Gene: TTN (titin; minus strand). Cytogenetic location: 2q31.2.
Variant type: single nucleotide variant.
Coding change: c.21479T>C on transcript NM_001267550.2 (MANE Select); coding-DNA position 21479, T replaced by C.
Protein change: p.Ile7160Thr; replaces isoleucine 7160 with threonine.
Molecular consequence: missense variant. On other transcripts: intron variant (3).
Genome position (GRCh38, 1-based): chr2:178,723,621, A>G on the plus strand (T>C on the coding strand, the complement: TTN is on the minus strand). VCF-style: chr2-178723621-A-G. GRCh37 (hg19) VCF-style: chr2-179588348-A-G.
Other names: c.20528T>C, p.Ile6843Thr (NM_001256850.1); c.17747T>C, p.Ile5916Thr (NM_133378.4); c.13282+14461T>C (NM_003319.4); c.13858+14461T>C (NM_133437.4); c.13657+14461T>C (NM_133432.3); short protein forms I5916T, I6843T, I7160T.
Identifiers: ClinVar variation 1879508 (VCV001879508.29), dbSNP rs2529570236, ClinGen allele CA349534439.